The following is an entry in ClinVar:

ClinVar aggregate classification (germline): Uncertain significance (1 of 4 stars; one submission).

Allele frequency attached by ClinVar (database versions not stated): gnomAD exomes below 0.00001; TOPMed below 0.00001.
gnomAD v4.1: 6 of 1,607,802 alleles (0.00037%); highest among the groups gnomAD compares: Middle Eastern, 0.033%; no homozygotes.

Submission:

Labcorp Genetics (formerly Invitae), Labcorp
Classification: Uncertain significance. Last evaluated: 2023-10-04. Review status: criteria provided, single submitter. Criteria: Invitae Variant Classification Sherloc (09022015). Collection method: clinical testing. Allele origin: germline.
Comment: This sequence change replaces proline, which is neutral and non-polar, with serine, which is neutral and polar, at codon 364 of the SAG protein (p.Pro364Ser). This variant is not present in population databases (gnomAD no frequency). This variant has not been reported in the literature in individuals affected with SAG-related conditions. Advanced modeling of protein sequence and biophysical properties (such as structural, functional, and spatial information, amino acid conservation, physicochemical variation, residue mobility, and thermodynamic stability) performed at Invitae indicates that this missense variant is not expected to disrupt SAG protein function. In summary, the available evidence is currently insufficient to determine the role of this variant in disease. Therefore, it has been classified as a Variant of Uncertain Significance.

NM_000541.5(SAG):c.1090C>T (p.Pro364Ser)

Gene: SAG (S-antigen visual arrestin; plus strand). Cytogenetic location: 2q37.1.
Variant type: single nucleotide variant.
Coding change: c.1090C>T on transcript NM_000541.5 (MANE Select); coding-DNA position 1090, C replaced by T.
Protein change: p.Pro364Ser; replaces proline 364 with serine.
Molecular consequence: missense variant.
Genome position (GRCh38, 1-based): chr2:233,342,314, C>T. VCF-style: chr2-233342314-C-T. GRCh37 (hg19) VCF-style: chr2-234250960-C-T.
Other names: short protein forms P364S.
Identifiers: ClinVar variation 2968883 (VCV002968883.3), dbSNP rs896291630, ClinGen allele CA67564057.